The following is an entry in ClinVar:

NM_000094.4(COL7A1):c.5107G>T (p.Gly1703Ter)

Gene: COL7A1 (collagen type VII alpha 1 chain; minus strand). Cytogenetic location: 3p21.31.
Variant type: single nucleotide variant.
Coding change: c.5107G>T on transcript NM_000094.4 (MANE Select); coding-DNA position 5107, G replaced by T.
Protein change: p.Gly1703Ter; replaces glycine 1703 with a stop codon.
Molecular consequence: nonsense.
Genome position (GRCh38, 1-based): chr3:48,580,048, C>A on the plus strand (G>T on the coding strand, the complement: COL7A1 is on the minus strand). VCF-style: chr3-48580048-C-A. GRCh37 (hg19) VCF-style: chr3-48617481-C-A.
Other names: short protein forms G1703*.
Identifiers: ClinVar variation 1459712 (VCV001459712.8), dbSNP rs1202107642, ClinGen allele CA352678445.

ClinVar aggregate classification (germline): Pathogenic/Likely pathogenic. Review status: criteria provided, multiple submitters, no conflicts (2 of 4 stars). 3 submissions from 3 submitters: Pathogenic (2); Likely pathogenic (1). Last evaluated 2024-08-20.

Conditions:
Recessive dystrophic epidermolysis bullosa (RDEB). Also called: severe generalized recessive dystrophic epidermolysis bullosa; epidermolysis bullosa dystrophica, autosomal recessive; Hallopeau-Siemens Disease; EPIDERMOLYSIS BULLOSA DYSTROPHICA, GENERALIZED SEVERE, AUTOSOMAL RECESSIVE; Recessive DEB (RDEB); Epidermolysis Bullosa Distrophica Autosomal Recessive (RDEB). Identifiers: Orphanet 79408, Orphanet 79409, MedGen C0079474, MONDO:0009179, OMIM 226600.
Epidermolysis bullosa pruriginosa. Also called: DEB, PRURIGINOSA; DYSTROPHIC EPIDERMOLYSIS BULLOSA PRURIGINOSA. Identifiers: Orphanet 89843, MedGen C1275114, MONDO:0011398, OMIM 604129.
Generalized dominant dystrophic epidermolysis bullosa (DDEB). Also called: DDEB, generalized; DDEB-gen; DYSTROPHIC EPIDERMOLYSIS BULLOSA, AUTOSOMAL DOMINANT; Epidermolysis bullosa dystrophica, autosomal dominant; Dominant DEB (DDEB). Identifiers: Orphanet 231568, MedGen C0432322, MONDO:0007549, OMIM 131750.
Nonsyndromic congenital nail disorder 8. Also called: TOENAIL DYSTROPHY, ISOLATED. Identifiers: MedGen C1843761, MONDO:0011852, OMIM 607523.
Pretibial dystrophic epidermolysis bullosa. Also called: Pretibial epidermolysis bullosa; EPIDERMOLYSIS BULLOSA DYSTROPHICA, PRETIBIAL; Pretibial blistering. Identifiers: Orphanet 79410, MedGen C0432321, MONDO:0007552, OMIM 131850, HP:0012221.
Dominant dystrophic epidermolysis bullosa with absence of skin. Also called: EPIDERMOLYSIS BULLOSA WITH CONGENITAL LOCALIZED ABSENCE OF SKIN AND DEFORMITY OF NAILS; EPIDERMOLYSIS BULLOSA DYSTROPHICA, BART TYPE. Identifiers: MedGen C0268371, MONDO:0007557, OMIM 132000.
Transient bullous dermolysis of the newborn (TBDN). Also called: DYSTROPHIC EPIDERMOLYSIS BULLOSA, NEONATAL; EPIDERMOLYSIS BULLOSA DYSTROPHICA, NEONATAL FORM. Identifiers: Orphanet 79411, MedGen C1851573, MONDO:0007548, OMIM 131705.

Allele frequency attached by ClinVar (database versions not stated): gnomAD exomes below 0.00001.

Submissions (3):

Myriad Genetics, Inc.
Classification: Pathogenic for Recessive dystrophic epidermolysis bullosa. Last evaluated: 2024-08-20. Review status: criteria provided, single submitter. Criteria: Myriad Autosomal Dominant, Autosomal Recessive and X-Linked Classification Criteria (2023). Collection method: clinical testing. Allele origin: unknown.
Comment: NM_000094.3(COL7A1):c.5107G>T(G1703*) is expected to be pathogenic in the context of dystrophic epidermolysis bullosa. This variant is predicted to lead to an abnormal or absent protein product due to the creation of a premature termination codon in COL7A1, a gene where loss-of-function variants are known to be pathogenic. Please note: this variant was assessed in the context of healthy population screening.

Fulgent Genetics
Classification: Likely pathogenic for Transient bullous dermolysis of the newborn; Generalized dominant dystrophic epidermolysis bullosa; Pretibial dystrophic epidermolysis bullosa; Dominant dystrophic epidermolysis bullosa with absence of skin; Recessive dystrophic epidermolysis bullosa; Epidermolysis bullosa pruriginosa; Nonsyndromic congenital nail disorder 8. Last evaluated: 2024-03-26. Review status: criteria provided, single submitter. Criteria: ACMG Guidelines, 2015. Collection method: clinical testing. Allele origin: germline.

Labcorp Genetics (formerly Invitae), Labcorp
Classification: Pathogenic. Last evaluated: 2022-04-19. Review status: criteria provided, single submitter. Criteria: Invitae Variant Classification Sherloc (09022015). Collection method: clinical testing. Allele origin: germline.
Comment: For these reasons, this variant has been classified as Pathogenic. This variant has not been reported in the literature in individuals affected with COL7A1-related conditions. This variant is present in population databases (no rsID available, gnomAD 0.006%). This sequence change creates a premature translational stop signal (p.Gly1703*) in the COL7A1 gene. It is expected to result in an absent or disrupted protein product. Loss-of-function variants in COL7A1 are known to be pathogenic (PMID: 16971478).

Literature cited by the submitters: PubMed 16971478 (cited by Labcorp Genetics (formerly Invitae), Labcorp).